The following is an entry in ClinVar:

ClinVar aggregate classification (germline): Uncertain significance (1 of 4 stars; one submission).

Allele frequency attached by ClinVar (database versions not stated): gnomAD exomes below 0.00001.
gnomAD v4.1: 1 of 1,211,551 alleles (0.000083%); highest among the groups gnomAD compares: Non-Finnish European, 0.00011%; no homozygotes.

Submission:

GeneDx
Classification: Uncertain significance. Last evaluated: 2017-12-28. Review status: criteria provided, single submitter. Criteria: GeneDx Variant Classification (06012015). Collection method: clinical testing. Allele origin: germline. Affected: yes.
Comment: The D130G variant in the DCX gene has not been reported previously as a pathogenic variant, nor as a benign variant, to our knowledge. This variant was not observed in approximately 6500 individuals of European and African American ancestry in the NHLBI Exome Sequencing Project, indicating it is not a common benign variant in these populations. The D130G variant is a non-conservative amino acid substitution, which is likely to impact secondary protein structure as these residues differ in polarity, charge, size and/or other properties. This substitution occurs at a position that is conserved in mammals. In silico analysis is inconsistent in its predictions as to whether or not the variant is damaging to the protein structure/function. We interpret D130G as a variant of uncertain significance.

NM_001195553.2(DCX):c.389A>G (p.Asp130Gly)

Gene: DCX (doublecortin; minus strand). Cytogenetic location: Xq23.
Variant type: single nucleotide variant.
Coding change: c.389A>G on transcript NM_001195553.2 (MANE Select); coding-DNA position 389, A replaced by G.
Protein change: p.Asp130Gly; replaces aspartic acid 130 with glycine.
Molecular consequence: missense variant.
Genome position (GRCh38, 1-based): chrX:111,401,306, T>C on the plus strand (A>G on the coding strand, the complement: DCX is on the minus strand). VCF-style: chrX-111401306-T-C. GRCh37 (hg19) VCF-style: chrX-110644534-T-C.
Other names: c.632A>G, p.Asp211Gly (NM_000555.3); c.389A>G, p.Asp130Gly (NM_001369370.1, NM_001369371.1, NM_001369372.1 and 5 more transcripts); short protein forms D130G, D211G.
Identifiers: ClinVar variation 421889 (VCV000421889.2), dbSNP rs1064795427, ClinGen allele CA16621178.